The following is an entry in ClinVar:

ClinVar aggregate classification (germline): Pathogenic (1 of 4 stars; one submission).

Conditions:
Giant axonal neuropathy 1 (GAN1). Also called: GIANT AXONAL NEUROPATHY 1, AUTOSOMAL RECESSIVE; GAN-Related Neurodegeneration. Identifiers: Orphanet 643, MedGen C1850386, MONDO:0009749, OMIM 256850.

Submission:

Labcorp Genetics (formerly Invitae), Labcorp
Classification: Pathogenic for Giant axonal neuropathy 1. Last evaluated: 2022-10-18. Review status: criteria provided, single submitter. Criteria: Invitae Variant Classification Sherloc (09022015). Collection method: clinical testing. Allele origin: germline.
Comment: This sequence change creates a premature translational stop signal (p.Lys72Glnfs*12) in the GAN gene. It is expected to result in an absent or disrupted protein product. Loss-of-function variants in GAN are known to be pathogenic (PMID: 12655563, 14718689, 23890932). This variant is not present in population databases (gnomAD no frequency). This variant has not been reported in the literature in individuals affected with GAN-related conditions. For these reasons, this variant has been classified as Pathogenic.

Literature cited by the submitters: PubMed 12655563; PubMed 14718689; PubMed 23890932.

NM_022041.4(GAN):c.206_213dup (p.Lys72fs)

Gene: GAN (gigaxonin; plus strand). Cytogenetic location: 16q23.2.
Variant type: Duplication.
Coding change: c.206_213dup on transcript NM_022041.4 (MANE Select); coding-DNA positions 206 to 213, 8 bases duplicated (CAACTTAT; older notation c.206_213dupCAACTTAT).
Protein change: p.Lys72fs; shifts the reading frame from lysine 72.
Molecular consequence: frameshift variant. On other transcripts: intron variant (1).
Genome position (GRCh38, 1-based): chr16:81,351,621-81,351,628, CAACTTAT duplicated; duplicating any 8 consecutive bases within chr16:81,351,619-81,351,628 gives the same sequence; the c. name uses the placement nearest the transcript's 3' end. VCF-style (leftmost placement, unchanged base first): chr16-81351618-G-GATCAACTT. GRCh37 (hg19) VCF-style: chr16-81385223-G-GATCAACTT.
Other names: c.-357-2784_-357-2777dup (NM_001377486.1); short protein forms K72fs.
Identifiers: ClinVar variation 2808332 (VCV002808332.3), dbSNP rs2507724069, ClinGen allele CA2739266907.
Genomic context (GRCh38, chr16:81,351,618, plus strand): 5'-TTTTACATTTTTTTCCCTTTCTTAGGACAAAGTTAAACTATAATCCTCCAAAAGATGATG[G>GATCAACTT]ATCAACTTATAAGATTGAACTTGAAGGGATATCGGTAATGGTTATGAGAGAGATCCTGGA-3'